The following is an entry in ClinVar:

ClinVar aggregate classification (germline): Uncertain significance (1 of 4 stars; one submission).

Submission:

Ambry Genetics
Classification: Uncertain significance. Last evaluated: 2025-06-20. Review status: criteria provided, single submitter. Criteria: Ambry Variant Classification Scheme 2023. Collection method: clinical testing. Allele origin: germline.
Comment: The p.L1643F variant (also known as c.4927C>T), located in coding exon 43 of the KIF1B gene, results from a C to T substitution at nucleotide position 4927. The leucine at codon 1643 is replaced by phenylalanine, an amino acid with highly similar properties. This amino acid position is conserved. In addition, the in silico prediction for this alteration is inconclusive. Based on the available evidence, the clinical significance of this variant remains unclear.

NM_001365951.3(KIF1B):c.5065C>T (p.Leu1689Phe)

Gene: KIF1B (kinesin family member 1B; plus strand). Cytogenetic location: 1p36.22.
Variant type: single nucleotide variant.
Coding change: c.5065C>T on transcript NM_001365951.3 (MANE Select); coding-DNA position 5065, C replaced by T.
Protein change: p.Leu1689Phe; replaces leucine 1689 with phenylalanine.
Molecular consequence: missense variant.
Genome position (GRCh38, 1-based): chr1:10,374,434, C>T. VCF-style: chr1-10374434-C-T. GRCh37 (hg19) VCF-style: chr1-10434492-C-T.
Other names: c.5065C>T, p.Leu1689Phe (NM_001365952.1); c.4927C>T, p.Leu1643Phe (NM_015074.3); short protein forms L1643F, L1689F.
Identifiers: ClinVar variation 4092324 (VCV004092324.1).